The following is an entry in ClinVar:

NM_000487.6(ARSA):c.826A>G (p.Thr276Ala)

Gene: ARSA (arylsulfatase A; minus strand). Cytogenetic location: 22q13.33.
Variant type: single nucleotide variant.
Coding change: c.826A>G on transcript NM_000487.6 (MANE Select); coding-DNA position 826, A replaced by G.
Protein change: p.Thr276Ala; replaces threonine 276 with alanine.
Molecular consequence: missense variant.
Genome position (GRCh38, 1-based): chr22:50,626,619, T>C on the plus strand (A>G on the coding strand, the complement: ARSA is on the minus strand). VCF-style: chr22-50626619-T-C. GRCh37 (hg19) VCF-style: chr22-51065047-T-C.
Other names: c.826A>G, p.Thr276Ala (NM_001085426.3, NM_001085427.3, NM_001085425.3); c.568A>G, p.Thr190Ala (NM_001085428.3, NM_001362782.2); short protein forms T190A, T276A.
Identifiers: ClinVar variation 4847278 (VCV004847278.2).

ClinVar aggregate classification (germline): Uncertain significance. Review status: criteria provided, multiple submitters, no conflicts (2 of 4 stars). 2 submissions from 2 submitters: Uncertain significance (2). Last evaluated 2026-03-12.

Conditions:
Metachromatic leukodystrophy (MLD). Also called: Arylsulfatase A Deficiency; SULFATIDE LIPIDOSIS; Cerebral sclerosis diffuse metachromatic form; ARSA DEFICIENCY; CEREBROSIDE SULFATASE DEFICIENCY; METACHROMATIC LEUKOENCEPHALOPATHY. Identifiers: Orphanet 512, MedGen C0023522, MONDO:0018868, OMIM 250100.

Submissions (2):

Women's Health and Genetics/Laboratory Corporation of America, LabCorp
Classification: Uncertain significance. Last evaluated: 2026-03-12. Review status: criteria provided, single submitter. Criteria: LabCorp Variant Classification Summary - May 2015. Collection method: clinical testing. Allele origin: germline.
Comment: Variant summary: ARSA c.826A>G (p.Thr276Ala) results in a non-conservative amino acid change in the encoded protein sequence. Algorithms developed to predict the effect of missense changes on protein structure and function all suggest that this variant is likely to be disruptive. The variant was absent in 250804 control chromosomes (gnomAD). The available data on variant occurrences in the general population are insufficient to allow any conclusion about variant significance. To our knowledge, no occurrence of c.826A>G in individuals affected with ARSA-related conditions and no experimental evidence demonstrating its impact on protein function have been reported. A different variant affecting the same codon has been classified as likely pathogenic/pathogenic by our lab (c.827C>T, p.Thr276Met), supporting the critical relevance of codon 276 to ARSA protein function. No submitters have cited clinical-significance assessments for this variant to ClinVar. Based on the evidence outlined above, the variant was classified as uncertain significance.

Myriad Genetics, Inc.
Classification: Uncertain significance for Metachromatic leukodystrophy. Last evaluated: 2026-03-03. Review status: criteria provided, single submitter. Criteria: Myriad Autosomal Dominant, Autosomal Recessive and X-Linked Classification Criteria (2023). Collection method: clinical testing. Allele origin: unknown.
Comment: NM_000487.5(ARSA):c.826A>G(T276A) is a missense variant classified as a variant of uncertain significance in the context of metachromatic leukodystrophy. T276A has not been observed in cases with relevant disease. Relevant functional assessments of this variant are not available in the literature. T276A has not been observed in referenced population frequency databases. In summary, there is insufficient evidence to classify NM_000487.5(ARSA):c.826A>G(T276A) as pathogenic or benign. Please note: this variant was assessed in the context of healthy population screening.